The following is an entry in ClinVar:

ClinVar aggregate classification (germline): Uncertain significance (1 of 4 stars; one submission).

Conditions:
FADD-related immunodeficiency. Also called: Infections, recurrent, with encephalopathy, hepatic dysfunction, and cardiovascular malformations; FADD DEFICIENCY. Identifiers: Orphanet 306550, MedGen C3151062, MONDO:0013408, OMIM 613759.

Submission:

Labcorp Genetics (formerly Invitae), Labcorp
Classification: Uncertain significance for FADD-related immunodeficiency. Last evaluated: 2022-11-08. Review status: criteria provided, single submitter. Criteria: Invitae Variant Classification Sherloc (09022015). Collection method: clinical testing. Allele origin: germline.
Comment: Algorithms developed to predict the effect of missense changes on protein structure and function (SIFT, PolyPhen-2, Align-GVGD) all suggest that this variant is likely to be tolerated. ClinVar contains an entry for this variant (Variation ID: 1503264). This variant has not been reported in the literature in individuals affected with FADD-related conditions. This variant is not present in population databases (gnomAD no frequency). This sequence change replaces glutamic acid, which is acidic and polar, with alanine, which is neutral and non-polar, at codon 206 of the FADD protein (p.Glu206Ala). In summary, the available evidence is currently insufficient to determine the role of this variant in disease. Therefore, it has been classified as a Variant of Uncertain Significance.

NM_003824.4(FADD):c.617A>C (p.Glu206Ala)

Gene: FADD (Fas associated via death domain; plus strand). Cytogenetic location: 11q13.3.
Variant type: single nucleotide variant.
Coding change: c.617A>C on transcript NM_003824.4 (MANE Select); coding-DNA position 617, A replaced by C.
Protein change: p.Glu206Ala; replaces glutamic acid 206 with alanine.
Molecular consequence: missense variant.
Genome position (GRCh38, 1-based): chr11:70,206,463, A>C. VCF-style: chr11-70206463-A-C. GRCh37 (hg19) VCF-style: chr11-70052569-A-C.
Other names: short protein forms E206A.
Identifiers: ClinVar variation 1503264 (VCV001503264.8), dbSNP rs2135900115, ClinGen allele CA381666612.